The following is an entry in ClinVar:

ClinVar aggregate classification (germline): Likely pathogenic (1 of 4 stars; one submission).

Conditions:
Hereditary spastic paraplegia 73. Also called: Spastic paraplegia 73, autosomal dominant. Identifiers: Orphanet 444099, MedGen C5568981, MONDO:0014568, OMIM 616282.

Submission:

Diagnostics Services (NGS), CSIR - Centre For Cellular And Molecular Biology
Classification: Likely pathogenic for Hereditary spastic paraplegia 73. Last evaluated: 2024-07-19. Review status: criteria provided, single submitter. Criteria: ACMG Guidelines, 2015. Collection method: clinical testing. Allele origin: unknown. Affected: yes. Observed: 1 variant allele, 1 heterozygote.
Comment: The c.1081C>T variant is not present in publicly available population databases like 1000 Genomes, EVS, ExAC, Indian Exome Database or our in-house exome database. This variant has neither been published with CPT1C-related conditions nor reported to the clinical databases like Human Genome Mutation Database (HGMD), ClinVar or OMIM, in any affected individuals. In-silico pathogenicity prediction programs like MutationTaster2, CADD, Varsome, Franklin etc predicted this variant to be likely deleterious. This variant creates a premature translational stop signal at the 361st position of the wild-type transcript that may either result in translation of a truncated protein or cause nonsense mediated decay of the mRNA.

NM_001199753.2(CPT1C):c.1081C>T (p.Gln361Ter)

Gene: CPT1C (carnitine palmitoyltransferase 1C; plus strand). Cytogenetic location: 19q13.33.
Variant type: single nucleotide variant.
Coding change: c.1081C>T on transcript NM_001199753.2 (MANE Select); coding-DNA position 1081, C replaced by T.
Protein change: p.Gln361Ter; replaces glutamine 361 with a stop codon.
Molecular consequence: nonsense. On other transcripts: non-coding transcript variant (1).
Genome position (GRCh38, 1-based): chr19:49,706,025, C>T. VCF-style: chr19-49706025-C-T. GRCh37 (hg19) VCF-style: chr19-50209282-C-T.
Other names: c.1048C>T, p.Gln350Ter (NM_001136052.3, NM_001378485.1, NM_001378487.1); c.1081C>T, p.Gln361Ter (NM_001199752.3, NM_001378483.1, NM_001378484.1 and 3 more transcripts); c.1147C>T, p.Gln383Ter (NM_001378482.1); short protein forms Q350*, Q361*, Q383*.
Identifiers: ClinVar variation 3340522 (VCV003340522.1).